The following is an entry in ClinVar:

NM_000038.6(APC):c.7517A>C (p.Lys2506Thr)

Gene: APC (APC regulator of Wnt signaling pathway; plus strand). Cytogenetic location: 5q22.2.
Variant type: single nucleotide variant.
Coding change: c.7517A>C on transcript NM_000038.6 (MANE Select); coding-DNA position 7517, A replaced by C.
Protein change: p.Lys2506Thr; replaces lysine 2506 with threonine.
Molecular consequence: missense variant. On other transcripts: non-coding transcript variant (2).
Genome position (GRCh38, 1-based): chr5:112,843,111, A>C. VCF-style: chr5-112843111-A-C. GRCh37 (hg19) VCF-style: chr5-112178808-A-C.
Other names: c.7517A>C, p.Lys2506Thr (NM_001127510.3, NM_001354895.2, NM_001407450.1); c.7463A>C, p.Lys2488Thr (NM_001127511.3); c.7571A>C, p.Lys2524Thr (NM_001354896.2, NM_001407447.1, NM_001407448.1 and 1 more transcripts); c.7547A>C, p.Lys2516Thr (NM_001354897.2); c.7442A>C, p.Lys2481Thr (NM_001354898.2); c.7433A>C, p.Lys2478Thr (NM_001354899.2); c.7394A>C, p.Lys2465Thr (NM_001354900.2); c.7340A>C, p.Lys2447Thr (NM_001354901.2, NM_001407453.1); and 11 more; short protein forms K2122T, K2223T, K2346T, K2377T, K2380T, K2405T, K2415T, K2423T.
Identifiers: ClinVar variation 3231322 (VCV003231322.1), dbSNP rs1468658257, ClinGen allele CA16037672.
Genomic context (GRCh38, chr5:112,843,111, plus strand): 5'-CTTCCCTTCCTGATATGTCTCTATCCACACATTCGTCTGTTCAGGCTGGTGGATGGCGAA[A>C]ACTCCCACCTAATCTCAGTCCCACTATAGAGTATAATGATGGAAGACCAGCAAAGCGCCA-3'
Protein context (NP_000029.2, residues 2496-2516): HSSVQAGGWR[Lys2506Thr]LPPNLSPTIE

ClinVar aggregate classification (germline): Uncertain significance (1 of 4 stars; one submission).

Conditions:
Hereditary cancer-predisposing syndrome. Also called: Neoplastic Syndromes, Hereditary; Tumor predisposition; Hereditary neoplastic syndrome; Hereditary Cancer Syndrome. Identifiers: Orphanet 140162, MedGen C0027672, MeSH D009386, MONDO:0015356.

Submission:

Ambry Genetics
Classification: Uncertain significance for Hereditary cancer-predisposing syndrome. Last evaluated: 2023-09-18. Review status: criteria provided, single submitter. Criteria: Ambry Variant Classification Scheme 2023. Collection method: clinical testing. Allele origin: germline.
Comment: The p.K2506T variant (also known as c.7517A>C), located in coding exon 15 of the APC gene, results from an A to C substitution at nucleotide position 7517. The lysine at codon 2506 is replaced by threonine, an amino acid with similar properties. This amino acid position is conserved. In addition, in silico predictors for this gene do not accurately predict pathogenicity. Since supporting evidence is limited at this time, the clinical significance of this alteration remains unclear.